The following is an entry in ClinVar:

ClinVar aggregate classification (germline): Benign/Likely benign. Review status: criteria provided, multiple submitters, no conflicts (2 of 4 stars). 7 submissions from 7 submitters: Benign (1); Likely benign (6). Last evaluated 2026-01-26.

Conditions:
Breast and/or ovarian cancer. Identifiers: MedGen CN221562.
Hereditary cancer-predisposing syndrome. Also called: Hereditary Cancer Syndrome; Neoplastic Syndromes, Hereditary; Tumor predisposition; Hereditary neoplastic syndrome. Identifiers: Orphanet 140162, MedGen C0027672, MeSH D009386, MONDO:0015356.
Ataxia-telangiectasia syndrome (AT). Also called: Cerebello-oculocutaneous telangiectasia; Immunodeficiency with ataxia telangiectasia; Ataxia-telangiectasia, complementation group E; Ataxia-telangiectasia, complementation group D; AT, COMPLEMENTATION GROUP C; ATAXIA-TELANGIECTASIA, COMPLEMENTATION GROUP A. Identifiers: Orphanet 100, MedGen C0004135, MONDO:0008840, OMIM 208900.
Familial cancer of breast. Also called: BREAST CANCER, FAMILIAL; Hereditary breast cancer; hereditary breast carcinoma. Identifiers: Orphanet 227535, MedGen C0346153, MONDO:0016419, OMIM 114480. Disease mechanism: loss of function.

Allele frequency attached by ClinVar (database versions not stated): ExAC 0.00013; gnomAD exomes 0.00010; TOPMed 0.00003.
gnomAD v4.1: 39 of 1,609,620 alleles (0.0024%); highest among the groups gnomAD compares: East Asian, 0.083%; no homozygotes.

Submissions (7):

Labcorp Genetics (formerly Invitae), Labcorp
Classification: Likely benign for Ataxia-telangiectasia syndrome. Last evaluated: 2026-01-26. Review status: criteria provided, single submitter. Criteria: Invitae Variant Classification Sherloc (09022015). Collection method: clinical testing. Allele origin: germline.

Center for Genomic Medicine, Rigshospitalet, Copenhagen University Hospital
Classification: Likely benign. Last evaluated: 2025-03-04. Review status: criteria provided, single submitter. Criteria: ACMG Guidelines, 2015. Collection method: clinical testing. Allele origin: germline.

Myriad Genetics, Inc.
Classification: Likely benign for Familial cancer of breast. Last evaluated: 2024-06-17. Review status: criteria provided, single submitter. Criteria: Myriad Autosomal Dominant, Autosomal Recessive and X-Linked Classification Criteria (2023). Collection method: clinical testing. Allele origin: unknown.
Comment: This variant is considered likely benign. This variant is intronic and is not expected to impact mRNA splicing.

Department of Pathology and Laboratory Medicine, Sinai Health System
Classification: Likely benign for Familial cancer of breast. Last evaluated: 2022-12-28. Review status: criteria provided, single submitter. Criteria: ACMG Guidelines, 2015. Collection method: clinical testing. Allele origin: germline. Affected: yes.

CHEO Genetics Diagnostic Laboratory, Children's Hospital of Eastern Ontario
Classification: Likely benign for Breast and/or ovarian cancer. Last evaluated: 2022-11-09. Review status: criteria provided, single submitter. Criteria: ACMG Guidelines, 2015. Collection method: clinical testing. Allele origin: germline.

Color Diagnostics, LLC DBA Color Health
Classification: Likely benign for Hereditary cancer-predisposing syndrome. Last evaluated: 2016-07-11. Review status: criteria provided, single submitter. Criteria: ACMG Guidelines, 2015. Collection method: clinical testing. Allele origin: germline.

GeneDx
Classification: Benign. Last evaluated: 2015-03-03. Review status: criteria provided, single submitter. Criteria: GeneDx Variant Classification Process June 2021. Collection method: clinical testing. Allele origin: germline. Affected: yes.

NM_000051.4(ATM):c.7789-15G>C

Genes: ATM (ATM serine/threonine kinase; plus strand), C11orf65 (chromosome 11 open reading frame 65; minus strand). Cytogenetic location: 11q22.3.
Variant type: single nucleotide variant.
Coding change: c.7789-15G>C on transcript NM_000051.4 (MANE Select); 15 bases into the intron before coding-DNA position 7789, G replaced by C.
Molecular consequence: intron variant.
Genome position (GRCh38, 1-based): chr11:108,332,747, G>C. VCF-style: chr11-108332747-G-C. GRCh37 (hg19) VCF-style: chr11-108203474-G-C.
Other names: c.7789-15G>C (NM_000051.2, NM_001351834.2); c.641-23676C>G (NM_001330368.2); c.*38+2473C>G (NM_001351110.2).
Identifiers: ClinVar variation 490713 (VCV000490713.17), dbSNP rs781449587, ClinGen allele CA6266192.